The following is an entry in ClinVar:

ClinVar aggregate classification (germline): Uncertain significance (1 of 4 stars; one submission).

Conditions:
Inborn genetic diseases. Identifiers: MedGen C0950123, MeSH D030342.

Submission:

Ambry Genetics
Classification: Uncertain significance for Inborn genetic diseases. Last evaluated: 2021-11-09. Review status: criteria provided, single submitter. Criteria: Ambry Variant Classification Scheme 2023. Collection method: clinical testing. Allele origin: germline.
Comment: The p.Y291C variant (also known as c.872A>G), located in coding exon 7 of the TFG gene, results from an A to G substitution at nucleotide position 872. The tyrosine at codon 291 is replaced by cysteine, an amino acid with highly dissimilar properties. This amino acid position is conserved. In addition, the in silico prediction for this alteration is inconclusive. Since supporting evidence is limited at this time, the clinical significance of this alteration remains unclear.

NM_006070.6(TFG):c.872A>G (p.Tyr291Cys)

Gene: TFG (trafficking from ER to golgi regulator; plus strand). Cytogenetic location: 3q12.2.
Variant type: single nucleotide variant.
Coding change: c.872A>G on transcript NM_006070.6 (MANE Select); coding-DNA position 872, A replaced by G.
Protein change: p.Tyr291Cys; replaces tyrosine 291 with cysteine.
Molecular consequence: missense variant.
Genome position (GRCh38, 1-based): chr3:100,748,200, A>G. VCF-style: chr3-100748200-A-G. GRCh37 (hg19) VCF-style: chr3-100467044-A-G.
Other names: c.872A>G, p.Tyr291Cys (NM_001007565.2, NM_001195478.2); c.860A>G, p.Tyr287Cys (NM_001195479.2); short protein forms Y291C, Y287C.
Identifiers: ClinVar variation 1764463 (VCV001764463.2), dbSNP rs2472156958, ClinGen allele CA353852841.
Genomic context (GRCh38, chr3:100,748,200, plus strand): 5'-CCTTTTCAGCAAGCTATAGTCAGCAGACTGGACCTCAACAACCTCAGCAGTTCCAGGGAT[A>G]TGGCCAGCAACCAACTTCCCAGGCACCAGCTCCTGCCTTTTCTGGTCAGCCTCAACAACT-3'
Protein context (NP_006061.2, residues 281-301): GPQQPQQFQG[Tyr291Cys]GQQPTSQAPA